The following is an entry in ClinVar:

NM_182977.3(NNT):c.2876+5G>A

Gene: NNT (nicotinamide nucleotide transhydrogenase; plus strand). Cytogenetic location: 5p12.
Variant type: single nucleotide variant.
Coding change: c.2876+5G>A on transcript NM_182977.3 (MANE Select); 5 bases into the intron after coding-DNA position 2876, G replaced by A.
Molecular consequence: intron variant.
Genome position (GRCh38, 1-based): chr5:43,677,811, G>A. VCF-style: chr5-43677811-G-A. GRCh37 (hg19) VCF-style: chr5-43677913-G-A.
Other names: c.2876+5G>A (NM_012343.4); c.2483+5G>A (NM_001331026.2).
Identifiers: ClinVar variation 2273527 (VCV002273527.2), dbSNP rs753362024, ClinGen allele CA3258345.

ClinVar aggregate classification (germline): Uncertain significance (1 of 4 stars; one submission).

Conditions:
Inborn genetic diseases. Identifiers: MedGen C0950123, MeSH D030342.

Allele frequency attached by ClinVar (database versions not stated): ExAC 0.00001; TOPMed 0.00002; gnomAD exomes 0.00003.

Submission:

Ambry Genetics
Classification: Uncertain significance for Inborn genetic diseases. Last evaluated: 2022-03-11. Review status: criteria provided, single submitter. Criteria: Ambry Variant Classification Scheme 2023. Collection method: clinical testing. Allele origin: germline.
Comment: The c.2876+5G>A intronic alteration consists of a G to A substitution 5 nucleotides after exon 19 (coding exon 18) of the NNT gene. Based on insufficient or conflicting evidence, the clinical significance of this alteration remains unclear.